The following is an entry in ClinVar:

ClinVar aggregate classification (germline): Uncertain significance (1 of 4 stars; one submission).

Conditions:
Familial adenomatous polyposis 2. Also called: COLORECTAL ADENOMATOUS POLYPOSIS, AUTOSOMAL RECESSIVE; ADENOMAS, MULTIPLE COLORECTAL, AUTOSOMAL RECESSIVE; MUTYH-associated polyposis; FAP type 2; MUTYH-related attenuated familial adenomatous polyposis; Adenomas, multiple colorectal. Identifiers: Orphanet 220460, Orphanet 247798, MedGen C3272841, MONDO:0012041, OMIM 608456.

Submission:

Labcorp Genetics (formerly Invitae), Labcorp
Classification: Uncertain significance for Familial adenomatous polyposis 2. Last evaluated: 2020-08-15. Review status: criteria provided, single submitter. Criteria: Invitae Variant Classification Sherloc (09022015). Collection method: clinical testing. Allele origin: germline.
Comment: This sequence change replaces threonine with alanine at codon 477 of the MUTYH protein (p.Thr477Ala). The threonine residue is highly conserved and there is a small physicochemical difference between threonine and alanine. This variant is not present in population databases (ExAC no frequency) and has not been reported in the literature in individuals with a MUTYH-related disease. Algorithms developed to predict the effect of missense changes on protein structure and function do not agree on the potential impact of this missense change (SIFT: "Deleterious"; PolyPhen-2: "Possibly Damaging"; Align-GVGD: "Class C0"). In summary, this variant is a novel missense change with uncertain impact on protein function. It has been classified as a Variant of Uncertain Significance.

NM_001048174.2(MUTYH):c.1345A>G (p.Thr449Ala)

Gene: MUTYH (mutY DNA glycosylase; minus strand). Cytogenetic location: 1p34.1.
Variant type: single nucleotide variant.
Coding change: c.1345A>G on transcript NM_001048174.2 (MANE Select); coding-DNA position 1345, A replaced by G.
Protein change: p.Thr449Ala; replaces threonine 449 with alanine.
Molecular consequence: missense variant. On other transcripts: non-coding transcript variant (2).
Genome position (GRCh38, 1-based): chr1:45,331,229, T>C on the plus strand (A>G on the coding strand, the complement: MUTYH is on the minus strand). VCF-style: chr1-45331229-T-C. GRCh37 (hg19) VCF-style: chr1-45796901-T-C.
Other names: c.1345A>G, p.Thr449Ala (NM_001048171.2, NM_001048173.2, NM_001293195.2); c.1348A>G, p.Thr450Ala (NM_001048172.2); c.1429A>G, p.Thr477Ala (NM_001128425.2); c.1390A>G, p.Thr464Ala (NM_001293190.2); c.1378A>G, p.Thr460Ala (NM_001293191.2); c.1069A>G, p.Thr357Ala (NM_001293192.2, NM_001293196.2); c.1000A>G, p.Thr334Ala (NM_001350650.2, NM_001350651.2); c.1420A>G, p.Thr474Ala (NM_012222.3); short protein forms T477A, T450A, T334A, T357A, T460A, T449A, T464A, T474A.
Identifiers: ClinVar variation 464694 (VCV000464694.8), dbSNP rs1553124948, ClinGen allele CA340132602.